The following is an entry in ClinVar:

ClinVar aggregate classification (germline): Uncertain significance (1 of 4 stars; one submission).

gnomAD v4.1: 1 of 1,608,906 alleles (0.000062%); highest among the groups gnomAD compares: Admixed American, 0.0017%; no homozygotes.

Submission:

Labcorp Genetics (formerly Invitae), Labcorp
Classification: Uncertain significance. Last evaluated: 2025-12-22. Review status: criteria provided, single submitter. Criteria: Invitae Variant Classification Sherloc (09022015). Collection method: clinical testing. Allele origin: germline.
Comment: This sequence change replaces serine, which is neutral and polar, with phenylalanine, which is neutral and non-polar, at codon 345 of the ARHGEF1 protein (p.Ser345Phe). This variant is not present in population databases (gnomAD no frequency). This variant has not been reported in the literature in individuals affected with ARHGEF1-related conditions. ClinVar contains an entry for this variant (Variation ID: 3615025). An algorithm developed to predict the effect of missense changes on protein structure and function (PolyPhen-2) suggests that this variant is likely to be disruptive. In summary, the available evidence is currently insufficient to determine the role of this variant in disease. Therefore, it has been classified as a Variant of Uncertain Significance.

NM_004706.4(ARHGEF1):c.989C>T (p.Ser330Phe)

Gene: ARHGEF1 (Rho guanine nucleotide exchange factor 1; plus strand). Cytogenetic location: 19q13.2.
Variant type: single nucleotide variant.
Coding change: c.989C>T on transcript NM_004706.4 (MANE Select); coding-DNA position 989, C replaced by T.
Protein change: p.Ser330Phe; replaces serine 330 with phenylalanine.
Molecular consequence: missense variant. On other transcripts: non-coding transcript variant (2).
Genome position (GRCh38, 1-based): chr19:41,895,460, C>T. VCF-style: chr19-41895460-C-T. GRCh37 (hg19) VCF-style: chr19-42399533-C-T.
Other names: c.989C>T, p.Ser330Phe (NM_001396000.1, NM_001396003.1, NM_001396006.1); c.890C>T, p.Ser297Phe (NM_001396002.1, NM_001396004.1, NM_198977.2); c.1034C>T, p.Ser345Phe (NM_199002.2); short protein forms S297F, S330F, S345F.
Identifiers: ClinVar variation 3615025 (VCV003615025.2).
Genomic context (GRCh38, chr19:41,895,460, plus strand): 5'-GGGACCGGAATATCGGGGCTCCTGGGCAGGACACCCCTGGAGTCTCTCTGCACCCTCTGT[C>T]CCTGGACAGCCCAGACCGGGAACCAGGTGAGAGTTTCCTGGGCCAGGGCTCCATGAGGCC-3'
Protein context (NP_004697.2, residues 320-340): DTPGVSLHPL[Ser330Phe]LDSPDREPGA